The following is an entry in ClinVar:

NM_021620.4(PRDM13):c.148C>T (p.Arg50Cys)

Gene: PRDM13 (PR/SET domain 13; plus strand). Cytogenetic location: 6q16.2.
Variant type: single nucleotide variant.
Coding change: c.148C>T on transcript NM_021620.4 (MANE Select); coding-DNA position 148, C replaced by T.
Protein change: p.Arg50Cys; replaces arginine 50 with cysteine.
Molecular consequence: missense variant.
Genome position (GRCh38, 1-based): chr6:99,608,744, C>T. VCF-style: chr6-99608744-C-T. GRCh37 (hg19) VCF-style: chr6-100056620-C-T.
Other names: short protein forms R50C.
Identifiers: ClinVar variation 2087583 (VCV002087583.4), dbSNP rs2538539759, ClinGen allele CA365113561.

ClinVar aggregate classification (germline): Uncertain significance (1 of 4 stars; one submission).

Submission:

Labcorp Genetics (formerly Invitae), Labcorp
Classification: Uncertain significance. Last evaluated: 2024-10-21. Review status: criteria provided, single submitter. Criteria: Invitae Variant Classification Sherloc (09022015). Collection method: clinical testing. Allele origin: germline.
Comment: This sequence change replaces arginine, which is basic and polar, with cysteine, which is neutral and slightly polar, at codon 50 of the PRDM13 protein (p.Arg50Cys). This variant is not present in population databases (gnomAD no frequency). This variant has not been reported in the literature in individuals affected with PRDM13-related conditions. ClinVar contains an entry for this variant (Variation ID: 2087583). An algorithm developed to predict the effect of missense changes on protein structure and function (PolyPhen-2) suggests that this variant is likely to be disruptive. In summary, the available evidence is currently insufficient to determine the role of this variant in disease. Therefore, it has been classified as a Variant of Uncertain Significance.